The following is an entry in ClinVar:

ClinVar aggregate classification (germline): Likely pathogenic (1 of 4 stars; one submission).

Conditions:
Usher syndrome type 1 (USH1). Also called: RETINITIS PIGMENTOSA AND CONGENITAL DEAFNESS. Identifiers: Orphanet 231169, Orphanet 886, MedGen C1568247, MONDO:0010168, OMIM 276900.

Submission:

Myriad Genetics, Inc.
Classification: Likely pathogenic for Usher syndrome type 1. Last evaluated: 2022-05-12. Review status: criteria provided, single submitter. Criteria: Myriad Women's Health Autosomal Recessive and X-Linked Classification Criteria (2021). Collection method: clinical testing. Allele origin: unknown.
Comment: NM_000260.3(MYO7A):c.602delA(N201Mfs*62) is expected to be pathogenic in the context of MYO7A-related disorders. This variant is predicted to lead to an abnormal or absent protein product due to the creation of a premature termination codon in MYO7A, a gene where loss-of-function variants are known to be pathogenic. Please note: this variant was assessed in the context of healthy population screening.

NM_000260.4(MYO7A):c.602del (p.Asn201fs)

Gene: MYO7A (myosin VIIA; plus strand). Cytogenetic location: 11q13.5.
Variant type: Deletion.
Coding change: c.602del on transcript NM_000260.4 (MANE Select); coding-DNA position 602, one base deleted (A; older notation c.602delA).
Protein change: p.Asn201fs; shifts the reading frame from asparagine 201.
Molecular consequence: frameshift variant.
Genome position (GRCh38, 1-based): chr11:77,156,871, A deleted; the last of 2 consecutive A bases (chr11:77,156,870-77,156,871); deleting either gives the same sequence. VCF-style (leftmost placement, unchanged base first): chr11-77156869-GA-G. GRCh37 (hg19) VCF-style: chr11-76867915-GA-G.
Other names: c.602del, p.Asn201fs (NM_001127180.2); c.569del, p.Asn190fs (NM_001369365.1); short protein forms N190fs, N201fs.
Identifiers: ClinVar variation 1726045 (VCV001726045.2), dbSNP rs2496748386, ClinGen allele CA2580084918.